The following is an entry in ClinVar:

NM_001130987.2(DYSF):c.3678C>G (p.Ile1226Met)

Gene: DYSF (dysferlin; plus strand). Cytogenetic location: 2p13.2.
Variant type: single nucleotide variant.
Coding change: c.3678C>G on transcript NM_001130987.2 (MANE Select); coding-DNA position 3678, C replaced by G.
Protein change: p.Ile1226Met; replaces isoleucine 1226 with methionine.
Molecular consequence: missense variant.
Genome position (GRCh38, 1-based): chr2:71,598,667, C>G. VCF-style: chr2-71598667-C-G. GRCh37 (hg19) VCF-style: chr2-71825797-C-G.
Other names: c.3627C>G, p.Ile1209Met (NM_001130455.2, NM_001130983.2); c.3582C>G, p.Ile1194Met (NM_001130976.2, NM_001130977.2); c.3624C>G, p.Ile1208Met (NM_001130978.2, NM_003494.4); c.3717C>G, p.Ile1239Met (NM_001130979.2); c.3675C>G, p.Ile1225Met (NM_001130980.2, NM_001130981.2); c.3720C>G, p.Ile1240Met (NM_001130982.2); c.3585C>G, p.Ile1195Met (NM_001130984.2, NM_001130986.2); c.3678C>G, p.Ile1226Met (NM_001130985.2); short protein forms I1208M, I1226M, I1225M, I1195M, I1209M, I1239M, I1240M, I1194M.
Identifiers: ClinVar variation 285123 (VCV000285123.53), dbSNP rs148858485, ClinGen allele CA1706663.

ClinVar aggregate classification (germline): Conflicting classifications of pathogenicity. Review status: criteria provided, conflicting classifications (1 of 4 stars). 11 submissions from 11 submitters: Uncertain significance (6); Likely benign (4). 1 of the submissions does not count toward it. Last evaluated 2026-05-11.

Conditions:
DYSF-related disorder. Also called: DYSF-related condition; DYSF-related disorders.
Neuromuscular disease caused by qualitative or quantitative defects of dysferlin. Also called: Dysferlinopathy; Qualitative or quantitative defects of dysferlin. Identifiers: Orphanet 207073, MedGen C2931687, MONDO:0016145.
Autosomal recessive limb-girdle muscular dystrophy type 2B (LGMDR2). Also called: MUSCULAR DYSTROPHY, LIMB-GIRDLE, AUTOSOMAL RECESSIVE 2; Limb-girdle muscular dystrophy, type 2B; Limb-Girdle Muscular Dystrophy Type 2B (LGMD2B); MUSCULAR DYSTROPHY, LIMB-GIRDLE, TYPE 3. Identifiers: Orphanet 268, MedGen C1850889, MONDO:0009676, OMIM 253601.

Allele frequency attached by ClinVar (database versions not stated): 1000 Genomes Project 30x 0.00016; 1000 Genomes Project 0.00020; TOPMed 0.00072.
gnomAD v4.1: 1,295 of 1,614,106 alleles (0.08%); highest among the groups gnomAD compares: Non-Finnish European, 0.088%; 1 homozygote.

Submissions (11):

PreventionGenetics, part of Exact Sciences
Classification: Likely benign for DYSF-related condition. Last evaluated: 2026-05-11. Review status: criteria provided, single submitter. Criteria: ACMG Guidelines, 2015. Collection method: clinical testing. Allele origin: germline.
Comment: This variant is classified as likely benign based on ACMG/AMP sequence variant interpretation guidelines (Richards et al. 2015 PMID: 25741868, with internal and published modifications).

Women's Health and Genetics/Laboratory Corporation of America, LabCorp
Classification: Uncertain significance. Last evaluated: 2026-04-20. Review status: criteria provided, single submitter. Criteria: LabCorp Variant Classification Summary - May 2015. Collection method: clinical testing. Allele origin: germline.
Comment: Variant summary: DYSF c.3624C>G (p.Ile1208Met) results in a conservative amino acid change in the encoded protein sequence. Algorithms developed to predict the effect of missense changes on protein structure and function are either unavailable or do not agree on the potential impact of this missense change. The variant allele was found at a frequency of 0.0007 in 251294 control chromosomes. This frequency is not significantly higher than estimated for disease-causing variants in DYSF, allowing no conclusion about variant significance. c.3624C>G has been observed as heterozygous in an individual affected with Autosomal recessive limb-girdle muscular dystrophy type 2B (Nguyen_2005). These report(s) do not provide unequivocal conclusions about association of the variant with Autosomal recessive limb-girdle muscular dystrophy type 2B. To our knowledge, no experimental evidence demonstrating an impact on protein function has been reported. The following publication have been ascertained in the context of this evaluation (PMID: 16010686). ClinVar contains an entry for this variant (Variation ID: 285123). Based on the evidence outlined above, the variant was classified as uncertain significance.

Labcorp Genetics (formerly Invitae), Labcorp
Classification: Likely benign for Neuromuscular disease caused by qualitative or quantitative defects of dysferlin. Last evaluated: 2026-01-31. Review status: criteria provided, single submitter. Criteria: Invitae Variant Classification Sherloc (09022015). Collection method: clinical testing. Allele origin: germline.

Blueprint Genetics
Classification: Uncertain significance. Last evaluated: 2024-10-17. Review status: criteria provided, single submitter. Criteria: ACMG Guidelines, 2015. Collection method: clinical testing. Allele origin: germline.

CeGaT Center for Human Genetics Tuebingen
Classification: Likely benign. Last evaluated: 2024-05-01. Review status: criteria provided, single submitter. Criteria: CeGaT Center For Human Genetics Tuebingen Variant Classification Criteria Version 2. Collection method: clinical testing. Allele origin: germline. Affected: yes. Observed: 2 variant alleles.
Comment: DYSF: BP4

Mayo Clinic Laboratories, Mayo Clinic
Classification: Uncertain significance. Last evaluated: 2020-04-27. Review status: criteria provided, single submitter. Criteria: ACMG Guidelines, 2015. Collection method: clinical testing. Allele origin: germline. Observed: 1 variant allele.

Athena Diagnostics
Classification: Uncertain significance. Last evaluated: 2020-03-13. Review status: criteria provided, single submitter. Criteria: Athena Diagnostics Criteria. Collection method: clinical testing. Allele origin: unknown.

GeneDx
Classification: Likely benign. Last evaluated: 2018-12-13. Review status: criteria provided, single submitter. Criteria: GeneDx Variant Classification Process June 2021. Collection method: clinical testing. Allele origin: germline. Affected: yes.
Comment: This variant is associated with the following publications: (PMID: 26764160, 16010686, 25900324, 32528171)

Eurofins Ntd Llc (ga)
Classification: Uncertain significance. Last evaluated: 2017-12-14. Review status: criteria provided, single submitter. Criteria: EGL Classification Definitions 2015. Collection method: clinical testing. Allele origin: germline. Observed: 12 variant alleles, 12 heterozygotes.

Illumina Laboratory Services, Illumina
Classification: Uncertain significance for Qualitative or quantitative defects of dysferlin. Last evaluated: 2017-04-27. Review status: criteria provided, single submitter. Criteria: ICSL Variant Classification Criteria 13 December 2019. Collection method: clinical testing. Allele origin: germline.

Natera, Inc.
Classification: Likely benign for Limb-girdle muscular dystrophy type 2B. Last evaluated: 2020-01-06. Review status: no assertion criteria provided. Collection method: clinical testing. Allele origin: germline. Not counted in ClinVar's aggregate classification.

Literature cited by the submitters: PubMed 16010686 (cited by Women's Health and Genetics/Laboratory Corporation of America, LabCorp and Athena Diagnostics); PubMed 26764160 (cited by Athena Diagnostics).